The following is an entry in ClinVar:

NM_001382347.1(MYO5A):c.4893C>T (p.Ala1631=)

Gene: MYO5A (myosin VA; minus strand). Cytogenetic location: 15q21.2.
Variant type: single nucleotide variant.
Coding change: c.4893C>T on transcript NM_001382347.1 (MANE Select); coding-DNA position 4893, C replaced by T.
Protein change: p.Ala1631=; no amino-acid change (alanine 1631 retained).
Molecular consequence: synonymous variant.
Genome position (GRCh38, 1-based): chr15:52,321,417, G>A on the plus strand (C>T on the coding strand, the complement: MYO5A is on the minus strand). VCF-style: chr15-52321417-G-A. GRCh37 (hg19) VCF-style: chr15-52613614-G-A.
Other names: c.4818C>T, p.Ala1606= (NM_000259.3); c.4737C>T, p.Ala1579= (NM_001142495.2); c.4965C>T, p.Ala1655= (NM_001382348.1); c.4890C>T, p.Ala1630= (NM_001382349.1); c.4809C>T, p.Ala1603= (NM_001411135.1).
Identifiers: ClinVar variation 3058721 (VCV003058721.3), dbSNP rs750173276, ClinGen allele CA7568000.

ClinVar aggregate classification (germline): Likely benign. Review status: criteria provided, single submitter (1 of 4 stars). 2 submissions from 2 submitters: Likely benign (1). 1 of the submissions does not count toward it. Last evaluated 2022-08-09.

Conditions:
MYO5A-related disorder. Also called: MYO5A-related condition.

Allele frequency attached by ClinVar (database versions not stated): gnomAD exomes 0.00001; ExAC 0.00002.
gnomAD v4.1: 19 of 1,614,204 alleles (0.0012%); highest among the groups gnomAD compares: South Asian, 0.0088%; no homozygotes.

Submissions (2):

Blueprint Genetics
Classification: Likely benign. Last evaluated: 2022-08-09. Review status: criteria provided, single submitter. Criteria: ACMG Guidelines, 2015. Collection method: clinical testing. Allele origin: germline.

PreventionGenetics, part of Exact Sciences
Classification: Likely benign for MYO5A-related condition. Last evaluated: 2023-09-27. Review status: no assertion criteria provided. Collection method: clinical testing. Allele origin: germline. Not counted in ClinVar's aggregate classification.
Comment: This variant is classified as likely benign based on ACMG/AMP sequence variant interpretation guidelines (Richards et al. 2015 PMID: 25741868, with internal and published modifications).